The following is an entry in ClinVar:

ClinVar aggregate classification (germline): Uncertain significance. Review status: criteria provided, multiple submitters, no conflicts (2 of 4 stars). 2 submissions from 2 submitters: Uncertain significance (2). Last evaluated 2020-06-06.

Allele frequency attached by ClinVar (database versions not stated): gnomAD exomes below 0.00001.
gnomAD v4.1: 2 of 1,612,712 alleles (0.00012%); highest among the groups gnomAD compares: Non-Finnish European, 0.00017%; no homozygotes.

Submissions (2):

Labcorp Genetics (formerly Invitae), Labcorp
Classification: Uncertain significance. Last evaluated: 2020-06-06. Review status: criteria provided, single submitter. Criteria: Invitae Variant Classification Sherloc (09022015). Collection method: clinical testing. Allele origin: germline.
Comment: This variant is not present in population databases (ExAC no frequency). In summary, the available evidence is currently insufficient to determine the role of this variant in disease. Therefore, it has been classified as a Variant of Uncertain Significance. Algorithms developed to predict the effect of sequence changes on RNA splicing suggest that this variant may create or strengthen a splice site, but this prediction has not been confirmed by published transcriptional studies. Algorithms developed to predict the effect of missense changes on protein structure and function (SIFT, PolyPhen-2, Align-GVGD) all suggest that this variant is likely to be disruptive, but these predictions have not been confirmed by published functional studies and their clinical significance is uncertain. This variant has not been reported in the literature in individuals with ABCA4-related conditions. This sequence change replaces glutamic acid with valine at codon 53 of the ABCA4 protein (p.Glu53Val). The glutamic acid residue is highly conserved and there is a moderate physicochemical difference between glutamic acid and valine.

GeneDx
Classification: Uncertain significance. Last evaluated: 2019-08-27. Review status: criteria provided, single submitter. Criteria: GeneDx Variant Classification Process June 2021. Collection method: clinical testing. Allele origin: germline. Affected: yes.
Comment: Not observed in large population cohorts (Lek et al., 2016); In silico analysis, which includes protein predictors and evolutionary conservation, supports a deleterious effect; In silico analysis, which includes splice predictors, supports a deleterious effect; Has not been previously published as pathogenic or benign to our knowledge

NM_000350.3(ABCA4):c.158A>T (p.Glu53Val)

Gene: ABCA4 (ATP binding cassette subfamily A member 4; minus strand). Cytogenetic location: 1p22.1.
Variant type: single nucleotide variant.
Coding change: c.158A>T on transcript NM_000350.3 (MANE Select); coding-DNA position 158, A replaced by T.
Protein change: p.Glu53Val; replaces glutamic acid 53 with valine.
Molecular consequence: missense variant.
Genome position (GRCh38, 1-based): chr1:94,112,975, T>A on the plus strand (A>T on the coding strand, the complement: ABCA4 is on the minus strand). VCF-style: chr1-94112975-T-A. GRCh37 (hg19) VCF-style: chr1-94578531-T-A.
Other names: c.158A>T, p.Glu53Val (NM_001425324.1); short protein forms E53V.
Identifiers: ClinVar variation 1025107 (VCV001025107.10), dbSNP rs1662652110, ClinGen allele CA341286322.
Genomic context (GRCh38, chr1:94,112,975, plus strand): 5'-CAAAAGGCCCAGACCAAAGTCTCTTCAGGGCTTGCCCAAGCTACCCTGCTATGCTTACAT[T>A]CATGATGGCTGTAGAGTGGGTTGGCATTCCTTAACCAGATCAAGACCAGAAATAAAGATA-3'
Protein context (NP_000341.2, residues 43-63): RNANPLYSHH[Glu53Val]CHFPNKAMPS